The following is an entry in ClinVar:

ClinVar aggregate classification (germline): Uncertain significance (1 of 4 stars; one submission).

Conditions:
Charcot-Marie-Tooth disease dominant intermediate C (CMTDIC). Also called: CHARCOT-MARIE-TOOTH NEUROPATHY, DOMINANT INTERMEDIATE C. Identifiers: Orphanet 100045, MedGen C1842237, MONDO:0012012, OMIM 608323.

Allele frequency attached by ClinVar (database versions not stated): gnomAD exomes below 0.00001.
gnomAD v4.1: 7 of 1,614,180 alleles (0.00043%); highest among the groups gnomAD compares: Non-Finnish European, 0.00042%; no homozygotes.

Submission:

Labcorp Genetics (formerly Invitae), Labcorp
Classification: Uncertain significance for Charcot-Marie-Tooth disease dominant intermediate C. Last evaluated: 2022-05-08. Review status: criteria provided, single submitter. Criteria: Invitae Variant Classification Sherloc (09022015). Collection method: clinical testing. Allele origin: germline.
Comment: This sequence change replaces histidine, which is basic and polar, with aspartic acid, which is acidic and polar, at codon 466 of the YARS protein (p.His466Asp). This variant is present in population databases (no rsID available, gnomAD 0.0009%). This variant has not been reported in the literature in individuals affected with YARS-related conditions. Algorithms developed to predict the effect of missense changes on protein structure and function are either unavailable or do not agree on the potential impact of this missense change (SIFT: "Not Available"; PolyPhen-2: "Benign"; Align-GVGD: "Not Available"). In summary, the available evidence is currently insufficient to determine the role of this variant in disease. Therefore, it has been classified as a Variant of Uncertain Significance.

NM_003680.4(YARS1):c.1396C>G (p.His466Asp)

Gene: YARS1 (tyrosyl-tRNA synthetase 1; minus strand). Cytogenetic location: 1p35.1.
Variant type: single nucleotide variant.
Coding change: c.1396C>G on transcript NM_003680.4 (MANE Select); coding-DNA position 1396, C replaced by G.
Protein change: p.His466Asp; replaces histidine 466 with aspartic acid.
Molecular consequence: missense variant.
Genome position (GRCh38, 1-based): chr1:32,779,462, G>C on the plus strand (C>G on the coding strand, the complement: YARS1 is on the minus strand). VCF-style: chr1-32779462-G-C. GRCh37 (hg19) VCF-style: chr1-33245063-G-C.
Other names: short protein forms H466D.
Identifiers: ClinVar variation 2095958 (VCV002095958.1), dbSNP rs1296800363, ClinGen allele CA339680584.
Genomic context (GRCh38, chr1:32,779,462, plus strand): 5'-TCTTCTTGGGCTTGAGCTCCTCATCTGGTTGGCCCTTTTCATAGCCCTTCACAAACACGT[G>C]CTCACCAGGAGCAGAGCCTGCCGGAGGGTCCAGAGGTTCAACCTGGCGGTTTATCCCTTC-3'
Protein context (NP_003671.1, residues 456-476): DPPAGSAPGE[His466Asp]VFVKGYEKGQ